The following is an entry in ClinVar:

NM_016932.5(SIX2):c.808C>T (p.His270Tyr)

Gene: SIX2 (SIX homeobox 2; minus strand). Cytogenetic location: 2p21.
Variant type: single nucleotide variant.
Coding change: c.808C>T on transcript NM_016932.5 (MANE Select); coding-DNA position 808, C replaced by T.
Protein change: p.His270Tyr; replaces histidine 270 with tyrosine.
Molecular consequence: missense variant.
Genome position (GRCh38, 1-based): chr2:45,006,238, G>A on the plus strand (C>T on the coding strand, the complement: SIX2 is on the minus strand). VCF-style: chr2-45006238-G-A. GRCh37 (hg19) VCF-style: chr2-45233377-G-A.
Other names: short protein forms H270Y.
Identifiers: ClinVar variation 4982742 (VCV004982742.1).
Genomic context (GRCh38, chr2:45,006,238, plus strand): 5'-CCAGGTCCACGAGGTTGGCTGACATGGGGTTGAGGATGGAGTCCTGCAGGCCATGGTGGT[G>A]TTGCAGTGGGTCCGCTCCACCTCCGCCTGGCACCGGCACTGGCACTGCGCTGGGGCCCGG-3'
Protein context (NP_058628.3, residues 260-280): PGGGGADPLQ[His270Tyr]HHGLQDSILN

ClinVar aggregate classification (germline): Uncertain significance (1 of 4 stars; one submission).

Conditions:
SIX2-related disorder. Also called: SIX2-related condition.

Submission:

PreventionGenetics, part of Exact Sciences
Classification: Uncertain significance for SIX2-related condition. Last evaluated: 2025-10-16. Review status: criteria provided, single submitter. Criteria: ACMG Guidelines, 2015. Collection method: clinical testing. Allele origin: germline.
Comment: The SIX2 c.808C>T variant is predicted to result in the amino acid substitution p.His270Tyr. To our knowledge, this variant has not been reported in the literature or in a large population database (gnomAD), indicating this variant is rare. At this time, the clinical significance of this variant is uncertain due to the absence of conclusive functional and genetic evidence.